The following is an entry in ClinVar:

ClinVar aggregate classification (germline): Uncertain significance (1 of 4 stars; one submission).

Submission:

Ambry Genetics
Classification: Uncertain significance. Last evaluated: 2024-01-29. Review status: criteria provided, single submitter. Criteria: Ambry Variant Classification Scheme 2023. Collection method: clinical testing. Allele origin: germline.
Comment: The p.H318L variant (also known as c.953A>T), located in coding exon 9 of the ILK gene, results from an A to T substitution at nucleotide position 953. The histidine at codon 318 is replaced by leucine, an amino acid with similar properties. This amino acid position is conserved. In addition, this alteration is predicted to be deleterious by in silico analysis. Based on the available evidence, the clinical significance of this alteration remains unclear.

NM_004517.4(ILK):c.953A>T (p.His318Leu)

Genes: ILK (integrin linked kinase; plus strand), TAF10 (TATA-box binding protein associated factor 10; minus strand). Cytogenetic location: 11p15.4.
Variant type: single nucleotide variant.
Coding change: c.953A>T on transcript NM_004517.4 (MANE Select); coding-DNA position 953, A replaced by T.
Protein change: p.His318Leu; replaces histidine 318 with leucine.
Molecular consequence: missense variant. On other transcripts: 3 prime UTR variant (1).
Genome position (GRCh38, 1-based): chr11:6,609,820, A>T. VCF-style: chr11-6609820-A-T. GRCh37 (hg19) VCF-style: chr11-6631051-A-T.
Other names: c.953A>T, p.His318Leu (NM_001014794.3, NM_001014795.3); c.770A>T, p.His257Leu (NM_001278441.2); c.551A>T, p.His184Leu (NM_001278442.2); c.*1102T>A (NM_006284.4); short protein forms H184L, H257L, H318L.
Identifiers: ClinVar variation 3224312 (VCV003224312.1), dbSNP rs773688505, ClinGen allele CA379465755.